The following is an entry in ClinVar:

NM_001690.4(ATP6V1A):c.1013G>A (p.Arg338His)

Gene: ATP6V1A (ATPase H+ transporting V1 subunit A; plus strand). Cytogenetic location: 3q13.31.
Variant type: single nucleotide variant.
Coding change: c.1013G>A on transcript NM_001690.4 (MANE Select); coding-DNA position 1013, G replaced by A.
Protein change: p.Arg338His; replaces arginine 338 with histidine.
Molecular consequence: missense variant.
Genome position (GRCh38, 1-based): chr3:113,794,896, G>A. VCF-style: chr3-113794896-G-A. GRCh37 (hg19) VCF-style: chr3-113513743-G-A.
Other names: short protein forms R338H.
Identifiers: ClinVar variation 3973262 (VCV003973262.2).

ClinVar aggregate classification (germline): Uncertain significance. Review status: criteria provided, multiple submitters, no conflicts (2 of 4 stars). 2 submissions from 2 submitters: Uncertain significance (2). Last evaluated 2025-10-18.

Conditions:
Inborn genetic diseases. Identifiers: MedGen C0950123, MeSH D030342.

Submissions (2):

Labcorp Genetics (formerly Invitae), Labcorp
Classification: Uncertain significance. Last evaluated: 2025-10-18. Review status: criteria provided, single submitter. Criteria: Invitae Variant Classification Sherloc (09022015). Collection method: clinical testing. Allele origin: germline.
Comment: This sequence change replaces arginine, which is basic and polar, with histidine, which is basic and polar, at codon 338 of the ATP6V1A protein (p.Arg338His). This variant is not present in population databases (gnomAD no frequency). This variant has not been reported in the literature in individuals affected with ATP6V1A-related conditions. ClinVar contains an entry for this variant (Variation ID: 3973262). Invitae Evidence Modeling of protein sequence and biophysical properties (such as structural, functional, and spatial information, amino acid conservation, physicochemical variation, residue mobility, and thermodynamic stability) indicates that this missense variant is expected to disrupt ATP6V1A protein function with a positive predictive value of 80%. In summary, the available evidence is currently insufficient to determine the role of this variant in disease. Therefore, it has been classified as a Variant of Uncertain Significance.

Ambry Genetics
Classification: Uncertain significance for Inborn genetic diseases. Last evaluated: 2025-05-25. Review status: criteria provided, single submitter. Criteria: Ambry Variant Classification Scheme 2023. Collection method: clinical testing. Allele origin: germline.